The following is an entry in ClinVar:

NM_000979.4(RPL18):c.476C>T (p.Pro159Leu)

Gene: RPL18 (ribosomal protein L18; minus strand). Cytogenetic location: 19q13.33.
Variant type: single nucleotide variant.
Coding change: c.476C>T on transcript NM_000979.4 (MANE Select); coding-DNA position 476, C replaced by T.
Protein change: p.Pro159Leu; replaces proline 159 with leucine.
Molecular consequence: missense variant. On other transcripts: non-coding transcript variant (1).
Genome position (GRCh38, 1-based): chr19:48,615,892, G>A on the plus strand (C>T on the coding strand, the complement: RPL18 is on the minus strand). VCF-style: chr19-48615892-G-A. GRCh37 (hg19) VCF-style: chr19-49119149-G-A.
Other names: c.476C>T (NM_000979.2); c.389C>T, p.Pro130Leu (NM_001270490.2); short protein forms P130L, P159L.
Identifiers: ClinVar variation 2776002 (VCV002776002.4), dbSNP rs752307128, ClinGen allele CA9553994.

ClinVar aggregate classification (germline): Uncertain significance. Review status: criteria provided, multiple submitters, no conflicts (2 of 4 stars). 2 submissions from 2 submitters: Uncertain significance (2). Last evaluated 2024-05-16.

Allele frequency attached by ClinVar (database versions not stated): gnomAD exomes below 0.00001; ExAC 0.00001; gnomAD 0.00001.
gnomAD v4.1: 5 of 1,611,880 alleles (0.00031%); highest among the groups gnomAD compares: East Asian, 0.0045%; no homozygotes.

Submissions (2):

Labcorp Genetics (formerly Invitae), Labcorp
Classification: Uncertain significance. Last evaluated: 2024-05-16. Review status: criteria provided, single submitter. Criteria: Invitae Variant Classification Sherloc (09022015). Collection method: clinical testing. Allele origin: germline.
Comment: This sequence change replaces proline, which is neutral and non-polar, with leucine, which is neutral and non-polar, at codon 159 of the RPL18 protein (p.Pro159Leu). This variant is present in population databases (rs752307128, gnomAD 0.006%). This variant has not been reported in the literature in individuals affected with RPL18-related conditions. An algorithm developed to predict the effect of missense changes on protein structure and function (PolyPhen-2) suggests that this variant is likely to be tolerated. In summary, the available evidence is currently insufficient to determine the role of this variant in disease. Therefore, it has been classified as a Variant of Uncertain Significance.

Ambry Genetics
Classification: Uncertain significance. Last evaluated: 2024-01-19. Review status: criteria provided, single submitter. Criteria: Ambry Variant Classification Scheme 2023. Collection method: clinical testing. Allele origin: germline.